The following is an entry in ClinVar:

ClinVar aggregate classification (germline): Uncertain significance. Review status: criteria provided, multiple submitters, no conflicts (2 of 4 stars). 3 submissions from 3 submitters: Uncertain significance (3). Last evaluated 2025-05-20.

Conditions:
Complex neurodevelopmental disorder. Identifiers: Orphanet 528084, MedGen C5568766, MONDO:0100038.

Allele frequency attached by ClinVar (database versions not stated): gnomAD exomes 0.00002.
gnomAD v4.1: 34 of 1,612,258 alleles (0.0021%); highest among the groups gnomAD compares: Non-Finnish European, 0.0029%; no homozygotes.

Submissions (3):

Victorian Clinical Genetics Services, Murdoch Childrens Research Institute
Classification: Uncertain significance for Complex neurodevelopmental disorder. Last evaluated: 2025-05-20. Review status: criteria provided, single submitter. Criteria: ACMG Guidelines, 2015. Collection method: clinical testing. Allele origin: germline. Affected: yes.
Comment: This variant is classified as VUS-3A. Evidence in support of pathogenic classification: Variant is present in gnomAD <0.01 for a recessive condition (v4: 34 heterozygote(s), 0 homozygote(s)); Missense variant predicted to be damaging by in silico tool(s) or highly conserved with a major amino acid change. Additional information: Variant is predicted to result in a missense amino acid change from glycine to arginine; This variant is homozygous; This gene is associated with autosomal recessive disease; Alternative amino acid change(s) at the same position are present in gnomAD (Highest allele count: v4: 1 heterozygote(s), 0 homozygote(s)); Previous evidence of pathogenicity for this variant is inconclusive. This variant has been classified as a VUS by clinical laboratories in ClinVar; No published segregation evidence has been identified for this variant; No published functional evidence has been identified for this variant; No comparable missense variants have previous evidence for pathogenicity; Variant is not located in an established domain, motif, hotspot or informative constraint region; Loss of function is a known mechanism of disease in this gene and is associated with complex neurodevelopmental disorder (MONDO:0100038), PNPLA8-related.

GeneDx
Classification: Uncertain significance. Last evaluated: 2024-04-26. Review status: criteria provided, single submitter. Criteria: GeneDx Variant Classification Process June 2021. Collection method: clinical testing. Allele origin: germline. Affected: yes.
Comment: Not observed at significant frequency in large population cohorts (gnomAD); In silico analysis supports that this missense variant has a deleterious effect on protein structure/function; Has not been previously published as pathogenic or benign to our knowledge

Labcorp Genetics (formerly Invitae), Labcorp
Classification: Uncertain significance. Last evaluated: 2022-08-05. Review status: criteria provided, single submitter. Criteria: Invitae Variant Classification Sherloc (09022015). Collection method: clinical testing. Allele origin: germline.
Comment: Algorithms developed to predict the effect of sequence changes on RNA splicing suggest that this variant may disrupt the consensus splice site. In summary, the available evidence is currently insufficient to determine the role of this variant in disease. Therefore, it has been classified as a Variant of Uncertain Significance. Algorithms developed to predict the effect of missense changes on protein structure and function are either unavailable or do not agree on the potential impact of this missense change (SIFT: "Deleterious"; PolyPhen-2: "Probably Damaging"; Align-GVGD: "Class C0"). This variant has not been reported in the literature in individuals affected with PNPLA8-related conditions. This variant is present in population databases (rs771446974, gnomAD 0.0009%). This sequence change replaces glycine, which is neutral and non-polar, with arginine, which is basic and polar, at codon 661 of the PNPLA8 protein (p.Gly661Arg).

NM_001256007.3(PNPLA8):c.1981G>A (p.Gly661Arg)

Gene: PNPLA8 (patatin like domain 8, phospholipase A2; minus strand). Cytogenetic location: 7q31.1.
Variant type: single nucleotide variant.
Coding change: c.1981G>A on transcript NM_001256007.3 (MANE Select); coding-DNA position 1981, G replaced by A.
Protein change: p.Gly661Arg; replaces glycine 661 with arginine.
Molecular consequence: missense variant.
Genome position (GRCh38, 1-based): chr7:108,479,277, C>T on the plus strand (G>A on the coding strand, the complement: PNPLA8 is on the minus strand). VCF-style: chr7-108479277-C-T. GRCh37 (hg19) VCF-style: chr7-108119721-C-T.
Other names: c.1981G>A, p.Gly661Arg (NM_001256008.3, NM_015723.5); c.1795G>A, p.Gly599Arg (NM_001256009.3); c.1681G>A, p.Gly561Arg (NM_001256010.3, NM_001256011.3); c.1981G>A (NM_015723.4); short protein forms G561R, G599R, G661R.
Identifiers: ClinVar variation 1936891 (VCV001936891.8), dbSNP rs771446974, ClinGen allele CA164300292.
Genomic context (GRCh38, chr7:108,479,277, plus strand): 5'-AAAGTTTAGTTTTCAAGCTTGTGTATGTTACCGTGTTTCTCACATCACTCTCATAACGTC[C>T]AGTGCCCAGGGATACTATGCACTCTAACGGCACATCTGGCCAAAGACATTTACACTCATG-3'
Protein context (NP_001242936.1, residues 651-671): PLECIVSLGT[Gly661Arg]RYESDVRNTV